The following is an entry in ClinVar:

ClinVar aggregate classification (germline): Uncertain significance. Review status: criteria provided, multiple submitters, no conflicts (2 of 4 stars). 2 submissions from 2 submitters: Uncertain significance (2). Last evaluated 2023-12-16.

Allele frequency attached by ClinVar (database versions not stated): ExAC 0.00001; gnomAD exomes 0.00002; gnomAD 0.00003; TOPMed 0.00003.
gnomAD v4.1: 34 of 1,614,082 alleles (0.0021%); highest among the groups gnomAD compares: Admixed American, 0.0083%; no homozygotes.

Submissions (2):

Labcorp Genetics (formerly Invitae), Labcorp
Classification: Uncertain significance. Last evaluated: 2023-12-16. Review status: criteria provided, single submitter. Criteria: Invitae Variant Classification Sherloc (09022015). Collection method: clinical testing. Allele origin: germline.
Comment: This sequence change replaces arginine, which is basic and polar, with tryptophan, which is neutral and slightly polar, at codon 685 of the MMP9 protein (p.Arg685Trp). This variant is present in population databases (rs765120002, gnomAD 0.01%). This variant has not been reported in the literature in individuals affected with MMP9-related conditions. ClinVar contains an entry for this variant (Variation ID: 2392156). Advanced modeling of protein sequence and biophysical properties (such as structural, functional, and spatial information, amino acid conservation, physicochemical variation, residue mobility, and thermodynamic stability) performed at Invitae indicates that this missense variant is not expected to disrupt MMP9 protein function with a negative predictive value of 80%. In summary, the available evidence is currently insufficient to determine the role of this variant in disease. Therefore, it has been classified as a Variant of Uncertain Significance.

Ambry Genetics
Classification: Uncertain significance. Last evaluated: 2021-06-22. Review status: criteria provided, single submitter. Criteria: Ambry Variant Classification Scheme 2023. Collection method: clinical testing. Allele origin: germline.

NM_004994.3(MMP9):c.2053C>T (p.Arg685Trp)

Genes: MMP9 (matrix metallopeptidase 9; plus strand), SLC12A5-AS1 (SLC12A5 and MMP9 antisense RNA 1; minus strand). Cytogenetic location: 20q13.12.
Variant type: single nucleotide variant.
Coding change: c.2053C>T on transcript NM_004994.3 (MANE Select); coding-DNA position 2053, C replaced by T.
Protein change: p.Arg685Trp; replaces arginine 685 with tryptophan.
Molecular consequence: missense variant.
Genome position (GRCh38, 1-based): chr20:46,016,297, C>T. VCF-style: chr20-46016297-C-T. GRCh37 (hg19) VCF-style: chr20-44644936-C-T.
Other names: short protein forms R685W.
Identifiers: ClinVar variation 2392156 (VCV002392156.5), dbSNP rs765120002, ClinGen allele CA9886887.